The following is an entry in ClinVar:

NM_000059.4(BRCA2):c.606C>G (p.Pro202=)

Gene: BRCA2 (BRCA2 DNA repair associated; plus strand). Cytogenetic location: 13q13.1.
Variant type: single nucleotide variant.
Coding change: c.606C>G on transcript NM_000059.4 (MANE Select); coding-DNA position 606, C replaced by G.
Protein change: p.Pro202=; no amino-acid change (proline 202 retained).
Molecular consequence: synonymous variant.
Genome position (GRCh38, 1-based): chr13:32,326,588, C>G. VCF-style: chr13-32326588-C-G. GRCh37 (hg19) VCF-style: chr13-32900725-C-G.
Identifiers: ClinVar variation 386407 (VCV000386407.5), dbSNP rs747726394, ClinGen allele CA16607457.

ClinVar aggregate classification (germline): Likely benign. Review status: criteria provided, multiple submitters, no conflicts (2 of 4 stars). 3 submissions from 3 submitters: Likely benign (3). Last evaluated 2023-09-13.

Conditions:
Hereditary cancer-predisposing syndrome. Also called: Hereditary Cancer Syndrome; Hereditary neoplastic syndrome; Neoplastic Syndromes, Hereditary; Tumor predisposition. Identifiers: Orphanet 140162, MedGen C0027672, MeSH D009386, MONDO:0015356.

Submissions (3):

Ambry Genetics
Classification: Likely benign for Hereditary cancer-predisposing syndrome. Last evaluated: 2023-09-13. Review status: criteria provided, single submitter. Criteria: Ambry Variant Classification Scheme 2023. Collection method: clinical testing. Allele origin: germline.

Quest Diagnostics Nichols Institute San Juan Capistrano
Classification: Likely benign. Last evaluated: 2019-06-19. Review status: criteria provided, single submitter. Criteria: Quest Diagnostics criteria. Collection method: clinical testing. Allele origin: germline.

GeneDx
Classification: Likely benign. Last evaluated: 2016-05-17. Review status: criteria provided, single submitter. Criteria: GeneDx Variant Classification (06012015). Collection method: clinical testing. Allele origin: germline. Affected: yes.
Comment: This variant is considered likely benign or benign based on one or more of the following criteria: it is a conservative change, it occurs at a poorly conserved position in the protein, it is predicted to be benign by multiple in silico algorithms, and/or has population frequency not consistent with disease.